The following is an entry in ClinVar:

ClinVar aggregate classification (germline): Pathogenic (1 of 4 stars; one submission).

Conditions:
Congenital adrenal hyperplasia due to cytochrome P450 oxidoreductase deficiency. Also called: DISORDERED STEROIDOGENESIS DUE TO POR DEFICIENCY. Identifiers: Orphanet 95699, MedGen C1860042, MONDO:0013310, OMIM 613571.

Submission:

Labcorp Genetics (formerly Invitae), Labcorp
Classification: Pathogenic for Congenital adrenal hyperplasia due to cytochrome P450 oxidoreductase deficiency. Last evaluated: 2023-08-11. Review status: criteria provided, single submitter. Criteria: Invitae Variant Classification Sherloc (09022015). Collection method: clinical testing. Allele origin: unknown.
Comment: This variant is a gross deletion of the genomic region encompassing exon(s) 6-7 of the POR gene. This deletion is out-of-frame, and is expected to create a premature termination codon and result in an absent or disrupted protein product. Loss-of-function variants in POR are known to be pathogenic (PMID: 14758361, 20732302, 21741353). This variant has not been reported in the literature in individuals affected with POR-related conditions. For these reasons, this variant has been classified as Pathogenic.

Literature cited by the submitters: PubMed 14758361; PubMed 20732302; PubMed 21741353.

NC_000007.13:g.(?_75610346)_(75610944_?)del

Gene: POR (cytochrome p450 oxidoreductase; plus strand). Cytogenetic location: 7q11.23.
Variant type: Deletion.
Identifiers: ClinVar variation 3245782 (VCV003245782.1).